The following is an entry in ClinVar:

NM_001127464.1:c.4087G>A

Gene: ZNF469 (zinc finger protein 469; plus strand).
Variant type: single nucleotide variant.
Identifiers: ClinVar variation 4615437 (VCV004615437.1).

ClinVar aggregate classification (germline): Uncertain significance (1 of 4 stars; one submission).

Conditions:
Cardiovascular phenotype. Identifiers: MedGen CN230736.

Submission:

Ambry Genetics
Classification: Uncertain significance for Cardiovascular phenotype. Last evaluated: 2025-09-17. Review status: criteria provided, single submitter. Criteria: Ambry Variant Classification Scheme 2023. Collection method: clinical testing. Allele origin: germline.
Comment: The p.A1363T variant (also known as c.4087G>A), located in coding exon 2 of the ZNF469 gene, results from a G to A substitution at nucleotide position 4087. The alanine at codon 1363 is replaced by threonine, an amino acid with similar properties. This amino acid position is conserved. In addition, this alteration is predicted to be tolerated by in silico analysis. Based on the available evidence, the clinical significance of this variant remains unclear.